The following is an entry in ClinVar:

ClinVar aggregate classification (germline): Uncertain significance (1 of 4 stars; one submission).

gnomAD v4.1: 2 of 1,553,900 alleles (0.00013%); highest among the groups gnomAD compares: Non-Finnish European, 0.00017%; no homozygotes.

Submission:

GeneDx
Classification: Uncertain significance. Last evaluated: 2024-08-04. Review status: criteria provided, single submitter. Criteria: GeneDx Variant Classification Process June 2021. Collection method: clinical testing. Allele origin: germline. Affected: yes.
Comment: Not observed at significant frequency in large population cohorts (gnomAD); In silico analysis indicates that this missense variant does not alter protein structure/function; Has not been previously published as pathogenic or benign to our knowledge

NM_001822.7(CHN1):c.562G>A (p.Val188Ile)

Gene: CHN1 (chimerin 1; minus strand). Cytogenetic location: 2q31.1.
Variant type: single nucleotide variant.
Coding change: c.562G>A on transcript NM_001822.7 (MANE Select); coding-DNA position 562, G replaced by A.
Protein change: p.Val188Ile; replaces valine 188 with isoleucine.
Molecular consequence: missense variant. On other transcripts: non-coding transcript variant (1), intron variant (1).
Genome position (GRCh38, 1-based): chr2:174,846,945, C>T on the plus strand (G>A on the coding strand, the complement: CHN1 is on the minus strand). VCF-style: chr2-174846945-C-T. GRCh37 (hg19) VCF-style: chr2-175711673-C-T.
Other names: c.187G>A, p.Val63Ile (NM_001206602.2); c.562G>A, p.Val188Ile (NM_001371513.1); c.613G>A, p.Val205Ile (NM_001371514.1); c.550-22427G>A (NM_001025201.4); short protein forms V188I, V205I, V63I.
Identifiers: ClinVar variation 3603178 (VCV003603178.1).
Genomic context (GRCh38, chr2:174,846,945, plus strand): 5'-AATTGTGAATCTTTTCATATTTTGGAATTTGCTCGTTTTCTTTCAGAGTTGCTCTTCTAA[C>T]AAGTGATGTCAACTGCGAATAAGCAAAGAGTTTCAGAGGTTGCCAGATTGTCACAGACGA-3'
Protein context (NP_001813.1, residues 178-198): GVSEKRLTSL[Val188Ile]RRATLKENEQ